The following is an entry in ClinVar:

NM_020964.3(EPG5):c.6621+29A>G

Gene: EPG5 (ectopic P-granules 5 autophagy tethering factor; minus strand). Cytogenetic location: 18q12.3.
Variant type: single nucleotide variant.
Coding change: c.6621+29A>G on transcript NM_020964.3 (MANE Select); 29 bases into the intron after coding-DNA position 6621, A replaced by G.
Molecular consequence: intron variant.
Genome position (GRCh38, 1-based): chr18:45,866,769, T>C on the plus strand (A>G on the coding strand, the complement: EPG5 is on the minus strand). VCF-style: chr18-45866769-T-C. GRCh37 (hg19) VCF-style: chr18-43446734-T-C.
Identifiers: ClinVar variation 1255386 (VCV001255386.7), dbSNP rs3826633, ClinGen allele CA8948227.

ClinVar aggregate classification (germline): Benign. Review status: criteria provided, multiple submitters, no conflicts (2 of 4 stars). 4 submissions from 4 submitters: Benign (4). Last evaluated 2024-01-24.

Conditions:
Vici syndrome (VICIS). Identifiers: Orphanet 1493, MedGen C1855772, MONDO:0009452, OMIM 242840.

Allele frequency attached by ClinVar (database versions not stated): gnomAD exomes 0.72799 and 0.76349; ExAC 0.76321; ESP Exome Variant Server 0.79262; gnomAD 0.79381 and 0.79509; TOPMed 0.80552; 1000 Genomes Project 0.84385; 1000 Genomes Project 30x 0.84588.
gnomAD v4.1: 1,145,345 of 1,559,144 alleles (73%); highest among the groups gnomAD compares: African/African-American, 93%; 424,185 homozygotes.

Submissions (4):

Unidad de Genómica Garrahan, Hospital de Pediatría Garrahan
Classification: Benign. Last evaluated: 2024-01-24. Review status: criteria provided, single submitter. Criteria: ACMG Guidelines, 2015. Collection method: clinical testing. Allele origin: germline. Affected: no. Observed: 91 variant alleles.
Comment: This variant is classified as Benign based on local population frequency. This variant was detected in 96% of patients studied by a panel of primary immunodeficiencies. Number of patients: 91. Only high quality variants are reported.

Genome-Nilou Lab
Classification: Benign for Vici syndrome. Last evaluated: 2021-07-30. Review status: criteria provided, single submitter. Criteria: ACMG Guidelines, 2015. Collection method: clinical testing. Allele origin: germline. Affected: no.

GeneDx
Classification: Benign. Last evaluated: 2018-06-29. Review status: criteria provided, single submitter. Criteria: GeneDx Variant Classification Process June 2021. Collection method: clinical testing. Allele origin: germline. Affected: yes.

Breakthrough Genomics
Classification: Benign. Review status: criteria provided, single submitter. Criteria: ACMG Guidelines, 2015. Collection method: not provided. Allele origin: germline. Inheritance: Autosomal recessive inheritance. Affected: yes.